The following is an entry in ClinVar:

NM_016239.4(MYO15A):c.54G>A (p.Lys18=)

Gene: MYO15A (myosin XVA; plus strand). Cytogenetic location: 17p11.2.
Variant type: single nucleotide variant.
Coding change: c.54G>A on transcript NM_016239.4 (MANE Select); coding-DNA position 54, G replaced by A.
Protein change: p.Lys18=; no amino-acid change (lysine 18 retained).
Molecular consequence: synonymous variant.
Genome position (GRCh38, 1-based): chr17:18,118,854, G>A. VCF-style: chr17-18118854-G-A. GRCh37 (hg19) VCF-style: chr17-18022168-G-A.
Identifiers: ClinVar variation 260700 (VCV000260700.56), dbSNP rs144909486, ClinGen allele CA8422744.

ClinVar aggregate classification (germline): Conflicting classifications of pathogenicity. Review status: criteria provided, conflicting classifications (1 of 4 stars). 9 submissions from 9 submitters: Uncertain significance (2); Benign (1); Likely benign (6). Last evaluated 2026-06-01.

Conditions:
Autosomal recessive nonsyndromic hearing loss 3. Also called: NEUROSENSORY NONSYNDROMIC RECESSIVE DEAFNESS 3. Identifiers: Orphanet 90636, MedGen C1838263, MONDO:0010860, OMIM 600316.

Allele frequency attached by ClinVar (database versions not stated): 1000 Genomes Project 30x 0.00062; 1000 Genomes Project 0.00080; ESP Exome Variant Server 0.00122; gnomAD 0.00127 and 0.00142; TOPMed 0.00151; gnomAD exomes 0.00163 and 0.00234; ExAC 0.00168.
gnomAD v4.1: 3,629 of 1,612,666 alleles (0.23%); highest among the groups gnomAD compares: Non-Finnish European, 0.26%; 5 homozygotes.

Submissions (9):

CeGaT Center for Human Genetics Tuebingen
Classification: Likely benign. Last evaluated: 2026-06-01. Review status: criteria provided, single submitter. Criteria: CeGaT Center For Human Genetics Tuebingen Variant Classification Criteria Version 2. Collection method: clinical testing. Allele origin: germline. Affected: yes. Observed: 7 variant alleles.
Comment: MYO15A: BP4, BS1

Labcorp Genetics (formerly Invitae), Labcorp
Classification: Benign. Last evaluated: 2026-01-25. Review status: criteria provided, single submitter. Criteria: Invitae Variant Classification Sherloc (09022015). Collection method: clinical testing. Allele origin: germline.

Blueprint Genetics
Classification: Likely benign. Last evaluated: 2024-11-22. Review status: criteria provided, single submitter. Criteria: ACMG Guidelines, 2015. Collection method: clinical testing. Allele origin: germline.

GeneDx
Classification: Likely benign. Last evaluated: 2021-10-02. Review status: criteria provided, single submitter. Criteria: GeneDx Variant Classification Process June 2021. Collection method: clinical testing. Allele origin: germline. Affected: yes.
Comment: Nucleotide substitution has no predicted effect on splicing and is not conserved across species; This variant is associated with the following publications: (PMID: 24498627)

Athena Diagnostics
Classification: Likely benign. Last evaluated: 2019-06-03. Review status: criteria provided, single submitter. Criteria: Athena Diagnostics Criteria. Collection method: clinical testing. Allele origin: germline.

Illumina Laboratory Services, Illumina
Classification: Uncertain significance for Autosomal recessive nonsyndromic hearing loss 3. Last evaluated: 2017-04-27. Review status: criteria provided, single submitter. Criteria: ICSL Variant Classification Criteria 13 December 2019. Collection method: clinical testing. Allele origin: germline.
Comment: This variant was observed as part of a predisposition screen in an ostensibly healthy population. A literature search was performed for the gene, cDNA change, and amino acid change (where applicable). Publications were found based on this search. However, the evidence from the literature, in combination with allele frequency data from public databases where available, was not sufficient to rule this variant in or out of causing disease. Therefore, this variant is classified as a variant of unknown significance.

Laboratory for Molecular Medicine, Mass General Brigham Personalized Medicine
Classification: Likely benign. Last evaluated: 2016-08-16. Review status: criteria provided, single submitter. Criteria: LMM Criteria. Collection method: clinical testing. Allele origin: germline. Observed: 2 variant alleles.
Comment: p.Lys18Lys in exon 02 of MYO15A: This variant is not expected to have clinical s ignificance because it does not alter an amino acid residue, is not located with in the splice consensus sequence, and has been identified in 0.2% (134/56718) of European chromosomes by the Exome Aggregation Consortium (ExAC; dbSNP rs144909486).

Eurofins Ntd Llc (ga)
Classification: Uncertain significance. Last evaluated: 2016-04-25. Review status: criteria provided, single submitter. Criteria: EGL Classification Definitions 2015. Collection method: clinical testing. Allele origin: germline. Observed: 1 variant allele, 1 heterozygote.

PreventionGenetics, part of Exact Sciences
Classification: Likely benign. Review status: criteria provided, single submitter. Criteria: ACMG Guidelines, 2015. Collection method: clinical testing. Allele origin: germline.

Literature cited by the submitters: PubMed 24498627 (cited by Athena Diagnostics and Illumina Laboratory Services, Illumina).